The following is an entry in ClinVar:

NM_004656.4(BAP1):c.991_995del (p.Lys331fs)

Gene: BAP1 (BRCA1 associated deubiquitinase 1; minus strand). Cytogenetic location: 3p21.1.
Variant type: Deletion.
Coding change: c.991_995del on transcript NM_004656.4 (MANE Select); coding-DNA positions 991 to 995, 5 bases deleted (AAACC; older notation c.991_995delAAACC).
Protein change: p.Lys331fs; shifts the reading frame from lysine 331.
Molecular consequence: frameshift variant.
Genome position (GRCh38, 1-based): chr3:52,405,231-52,405,235, GGTTT deleted on the plus strand (AAACC on the coding strand, the reverse complement: BAP1 is on the minus strand); deleting any 5 consecutive bases within chr3:52,405,231-52,405,236 gives the same sequence; the c. name uses the placement nearest the transcript's 3' end. VCF-style (leftmost placement, unchanged base first): chr3-52405230-GGGTTT-G. GRCh37 (hg19) VCF-style: chr3-52439246-GGGTTT-G.
Other names: short protein forms K331fs.
Identifiers: ClinVar variation 944569 (VCV000944569.7), dbSNP rs1705111517, ClinGen allele CA1139658119.

ClinVar aggregate classification (germline): Pathogenic (1 of 4 stars; one submission).

Conditions:
BAP1-related tumor predisposition syndrome (TPDS1). Also called: COMMON Syndrome; Tumor susceptibility linked to germline BAP1 mutations; BAP1 tumor predisposition syndrome; TUMOR PREDISPOSITION SYNDROME 1. Identifiers: Orphanet 289539, MedGen C3280492, MONDO:0013692, OMIM 614327.

Submission:

Labcorp Genetics (formerly Invitae), Labcorp
Classification: Pathogenic for BAP1-related tumor predisposition syndrome. Last evaluated: 2019-05-05. Review status: criteria provided, single submitter. Criteria: Invitae Variant Classification Sherloc (09022015). Collection method: clinical testing. Allele origin: germline.
Comment: For these reasons, this variant has been classified as Pathogenic. Loss-of-function variants in BAP1 are known to be pathogenic (PMID: 21874000, 23684012). This variant has not been reported in the literature in individuals with BAP1-related conditions. This variant is not present in population databases (ExAC no frequency). This sequence change creates a premature translational stop signal (p.Lys331Glnfs*65) in the BAP1 gene. It is expected to result in an absent or disrupted protein product.

Literature cited by the submitters: PubMed 21874000; PubMed 23684012.